The following is an entry in ClinVar:

NM_020318.3(PAPPA2):c.3475dup (p.Tyr1159fs)

Gene: PAPPA2 (pappalysin 2; plus strand). Cytogenetic location: 1q25.2.
Variant type: Duplication.
Coding change: c.3475dup on transcript NM_020318.3 (MANE Select); coding-DNA position 3475, one base duplicated (T; older notation c.3475dupT).
Protein change: p.Tyr1159fs; shifts the reading frame from tyrosine 1159.
Molecular consequence: frameshift variant.
Genome position (GRCh38, 1-based): chr1:176,710,000, T duplicated. VCF-style (leftmost placement, unchanged base first): chr1-176709999-C-CT. GRCh37 (hg19) VCF-style: chr1-176679135-C-CT.
Other names: short protein forms Y1159fs.
Identifiers: ClinVar variation 5005341 (VCV005005341.2).

ClinVar aggregate classification (germline): Likely pathogenic (1 of 4 stars; one submission).

Conditions:
Short stature, Dauber-Argente type. Identifiers: MedGen C5561968, MONDO:0859182, OMIM 619489.

Submission:

Juno Genomics, Hangzhou Juno Genomics, Inc
Classification: Likely pathogenic for Short stature, Dauber-Argente type. Review status: criteria provided, single submitter. Criteria: ACMG Guidelines, 2015. Collection method: clinical testing. Allele origin: germline.
Comment: Null variant in a gene where loss of function (LOF) is a known mechanism of disease.;Absent from controls (or at extremely low frequency if recessive) in Genome Aggregation Database.